The following is an entry in ClinVar:

ClinVar aggregate classification (germline): Uncertain significance (1 of 4 stars; one submission).

Conditions:
Familial melanoma. Also called: Hereditary melanoma; Hereditary cutaneous melanoma. Identifiers: Orphanet 618, MedGen C1512419, MONDO:0018961.

Allele frequency attached by ClinVar (database versions not stated): ExAC 0.00001.

Submission:

Labcorp Genetics (formerly Invitae), Labcorp
Classification: Uncertain significance for Familial melanoma. Last evaluated: 2023-03-04. Review status: criteria provided, single submitter. Criteria: Invitae Variant Classification Sherloc (09022015). Collection method: clinical testing. Allele origin: germline.
Comment: This variant is not present in population databases (gnomAD no frequency). This sequence change replaces serine, which is neutral and polar, with asparagine, which is neutral and polar, at codon 43 of the CDKN2A (p16INK4a) protein (p.Ser43Asn). This variant has not been reported in the literature in individuals affected with CDKN2A (p16INK4a)-related conditions. In summary, the available evidence is currently insufficient to determine the role of this variant in disease. Therefore, it has been classified as a Variant of Uncertain Significance. An algorithm developed to predict the effect of missense changes on protein structure and function (PolyPhen-2) suggests that this variant is likely to be tolerated. ClinVar contains an entry for this variant (Variation ID: 954477).

NM_000077.5(CDKN2A):c.128G>A (p.Ser43Asn)

Gene: CDKN2A (cyclin dependent kinase inhibitor 2A; minus strand). Cytogenetic location: 9p21.3.
Variant type: single nucleotide variant.
Coding change: c.128G>A on transcript NM_000077.5; coding-DNA position 128, G replaced by A.
Protein change: p.Ser43Asn; replaces serine 43 with asparagine.
Molecular consequence: missense variant (on NM_000077.6). On other transcripts: intron variant (2).
Genome position (GRCh38, 1-based): chr9:21,974,700, C>T on the plus strand (G>A on the coding strand, the complement: CDKN2A is on the minus strand). VCF-style: chr9-21974700-C-T. GRCh37 (hg19) VCF-style: chr9-21974699-C-T.
Other names: c.128G>A, p.Ser43Asn (NM_000077.6, NM_001195132.2, NM_058197.5); c.-3-3492G>A (NM_001363763.2); c.194-3492G>A (NM_058195.4); short protein forms S43N.
Identifiers: ClinVar variation 954477 (VCV000954477.9), dbSNP rs761079352, ClinGen allele CA5012309.